The following is an entry in ClinVar:

NM_199420.4(POLQ):c.5273A>G (p.Asn1758Ser)

Gene: POLQ (DNA polymerase theta; minus strand). Cytogenetic location: 3q13.33.
Variant type: single nucleotide variant.
Coding change: c.5273A>G on transcript NM_199420.4 (MANE Select); coding-DNA position 5273, A replaced by G.
Protein change: p.Asn1758Ser; replaces asparagine 1758 with serine.
Molecular consequence: missense variant.
Genome position (GRCh38, 1-based): chr3:121,487,658, T>C on the plus strand (A>G on the coding strand, the complement: POLQ is on the minus strand). VCF-style: chr3-121487658-T-C. GRCh37 (hg19) VCF-style: chr3-121206505-T-C.
Other names: short protein forms N1758S.
Identifiers: ClinVar variation 2563807 (VCV002563807.2), dbSNP rs2546784900, ClinGen allele CA354090719.
Genomic context (GRCh38, chr3:121,487,658, plus strand): 5'-GAAGGTGAGCCAAATAAATAACTTTCACCAGGTTGTAAAACATTATTAGTTTTCCAAGGG[T>C]TTACAGGTGTTTCAAGAATCCCTGGAAATGTCAGCTTAGAAGCAGATGTTGGAATGGGTG-3'
Protein context (NP_955452.3, residues 1748-1768): TFPGILETPV[Asn1758Ser]PWKTNNVLQP

ClinVar aggregate classification (germline): Uncertain significance (1 of 4 stars; one submission).

Allele frequency attached by ClinVar (database versions not stated): gnomAD exomes below 0.00001.
gnomAD v4.1: 2 of 1,613,784 alleles (0.00012%); highest among the groups gnomAD compares: East Asian, 0.0022%; no homozygotes.

Submission:

Ambry Genetics
Classification: Uncertain significance. Last evaluated: 2023-04-22. Review status: criteria provided, single submitter. Criteria: Ambry Variant Classification Scheme 2023. Collection method: clinical testing. Allele origin: germline.
Comment: The p.N1758S variant (also known as c.5273A>G), located in coding exon 16 of the POLQ gene, results from an A to G substitution at nucleotide position 5273. The asparagine at codon 1758 is replaced by serine, an amino acid with highly similar properties. This amino acid position is conserved. In addition, this alteration is predicted to be tolerated by in silico analysis. Since supporting evidence is limited at this time, the clinical significance of this alteration remains unclear.